The following is an entry in ClinVar:

NM_002335.4(LRP5):c.2516T>C (p.Val839Ala)

Gene: LRP5 (LDL receptor related protein 5; plus strand). Cytogenetic location: 11q13.2.
Variant type: single nucleotide variant.
Coding change: c.2516T>C on transcript NM_002335.4 (MANE Select); coding-DNA position 2516, T replaced by C.
Protein change: p.Val839Ala; replaces valine 839 with alanine.
Molecular consequence: missense variant.
Genome position (GRCh38, 1-based): chr11:68,413,701, T>C. VCF-style: chr11-68413701-T-C. GRCh37 (hg19) VCF-style: chr11-68181169-T-C.
Other names: c.773T>C, p.Val258Ala (NM_001291902.2); short protein forms V258A, V839A.
Identifiers: ClinVar variation 1999385 (VCV001999385.4), dbSNP rs2496760467, ClinGen allele CA381618104.

ClinVar aggregate classification (germline): Uncertain significance (1 of 4 stars; one submission).

Allele frequency attached by ClinVar (database versions not stated): gnomAD exomes below 0.00001.
gnomAD v4.1: 1 of 1,613,592 alleles (0.000062%); highest among the groups gnomAD compares: Non-Finnish European, 0.000085%; no homozygotes.

Submission:

Labcorp Genetics (formerly Invitae), Labcorp
Classification: Uncertain significance. Last evaluated: 2022-05-27. Review status: criteria provided, single submitter. Criteria: Invitae Variant Classification Sherloc (09022015). Collection method: clinical testing. Allele origin: germline.
Comment: This sequence change replaces valine, which is neutral and non-polar, with alanine, which is neutral and non-polar, at codon 839 of the LRP5 protein (p.Val839Ala). This variant is not present in population databases (gnomAD no frequency). This variant has not been reported in the literature in individuals affected with LRP5-related conditions. Advanced modeling of protein sequence and biophysical properties (such as structural, functional, and spatial information, amino acid conservation, physicochemical variation, residue mobility, and thermodynamic stability) performed at Invitae indicates that this missense variant is not expected to disrupt LRP5 protein function. In summary, the available evidence is currently insufficient to determine the role of this variant in disease. Therefore, it has been classified as a Variant of Uncertain Significance.